The following is an entry in ClinVar:

NM_198576.4(AGRN):c.5512G>A (p.Ala1838Thr)

Gene: AGRN (agrin; plus strand). Cytogenetic location: 1p36.33.
Variant type: single nucleotide variant.
Coding change: c.5512G>A on transcript NM_198576.4 (MANE Select); coding-DNA position 5512, G replaced by A.
Protein change: p.Ala1838Thr; replaces alanine 1838 with threonine.
Molecular consequence: missense variant.
Genome position (GRCh38, 1-based): chr1:1,051,594, G>A. VCF-style: chr1-1051594-G-A. GRCh37 (hg19) VCF-style: chr1-986974-G-A.
Other names: c.5524G>A, p.Ala1842Thr (NM_001305275.2); c.5209G>A, p.Ala1737Thr (NM_001364727.2); short protein forms A1737T, A1842T, A1838T.
Identifiers: ClinVar variation 2181074 (VCV002181074.4), dbSNP rs2522805751, ClinGen allele CA337781853.
Genomic context (GRCh38, chr1:1,051,594, plus strand): 5'-TGCACCCGGGCCTCAGGCCACCCCTGCCTCAATGGGGCCTCCTGCGTCCCGAGGGAGGCT[G>A]CCTATGTGTGCCTGTGTCCCGGGGGATTCTCAGGACCGCACTGCGAGAAGGGTGAGCCTG-3'
Protein context (NP_940978.2, residues 1828-1848): NGASCVPREA[Ala1838Thr]YVCLCPGGFS

ClinVar aggregate classification (germline): Uncertain significance (1 of 4 stars; one submission).

Conditions:
Congenital myasthenic syndrome 8. Also called: Myasthenic syndrome, congenital, 8, with pre- and postsynaptic defects; MYASTHENIC SYNDROME, CONGENITAL, DUE TO AGRIN DEFICIENCY. Identifiers: Orphanet 590, MedGen C3808739, MONDO:0014052, OMIM 615120.

Allele frequency attached by ClinVar (database versions not stated): gnomAD exomes below 0.00001.
gnomAD v4.1: 1 of 1,605,990 alleles (0.000062%); highest among the groups gnomAD compares: Non-Finnish European, 0.000085%; no homozygotes.

Submission:

Labcorp Genetics (formerly Invitae), Labcorp
Classification: Uncertain significance for Congenital myasthenic syndrome 8. Last evaluated: 2022-02-12. Review status: criteria provided, single submitter. Criteria: Invitae Variant Classification Sherloc (09022015). Collection method: clinical testing. Allele origin: germline.
Comment: This sequence change replaces alanine, which is neutral and non-polar, with threonine, which is neutral and polar, at codon 1838 of the AGRN protein (p.Ala1838Thr). This variant is not present in population databases (gnomAD no frequency). This variant has not been reported in the literature in individuals affected with AGRN-related conditions. Algorithms developed to predict the effect of missense changes on protein structure and function output the following: SIFT: "Tolerated"; PolyPhen-2: "Benign"; Align-GVGD: "Class C0". The threonine amino acid residue is found in multiple mammalian species, which suggests that this missense change does not adversely affect protein function. In summary, the available evidence is currently insufficient to determine the role of this variant in disease. Therefore, it has been classified as a Variant of Uncertain Significance.